The following is an entry in ClinVar:

NM_182961.4(SYNE1):c.310-485A>G

Gene: SYNE1 (spectrin repeat containing nuclear envelope protein 1; minus strand). Cytogenetic location: 6q25.2.
Variant type: single nucleotide variant.
Coding change: c.310-485A>G on transcript NM_182961.4 (MANE Select); 485 bases into the intron before coding-DNA position 310, A replaced by G.
Molecular consequence: intron variant. On other transcripts: missense variant (1).
Genome position (GRCh38, 1-based): chr6:152,511,588, T>C on the plus strand (A>G on the coding strand, the complement: SYNE1 is on the minus strand). VCF-style: chr6-152511588-T-C. GRCh37 (hg19) VCF-style: chr6-152832723-T-C.
Other names: c.313A>G, p.Met105Val (NM_033071.5); short protein forms M105V.
Identifiers: ClinVar variation 1379887 (VCV001379887.8), dbSNP rs764771842, ClinGen allele CA4059789.
Genomic context (GRCh38, chr6:152,511,588, plus strand): 5'-CCTATAAAAATCAGGAGTTAAGAATTCTAAAATTTGTACTAACCGGTGATCCTCTGTGCA[T>C]GGACTGACATGAAAAACAAAGGGAGAAGATAATAGATATACATAAATCATCTTTCAAAAT-3'

ClinVar aggregate classification (germline): Uncertain significance (1 of 4 stars; one submission).

Conditions:
Emery-Dreifuss muscular dystrophy 4, autosomal dominant (EDMD4). Also called: EMERY-DREIFUSS MUSCULAR DYSTROPHY 4 WITH VARIABLE FEATURES. Identifiers: Orphanet 261, MedGen C2751807, MONDO:0013071, OMIM 612998.
Autosomal recessive ataxia, Beauce type. Also called: SYNE1-Related Autosomal Recessive Cerebellar Ataxia; Spinocerebellar ataxia, autosomal recessive 8; ATAXIA, RECESSIVE, OF BEAUCE; SYNE1 Deficiency. Identifiers: Orphanet 88644, MedGen C1853116, MONDO:0012549, OMIM 610743.

Allele frequency attached by ClinVar (database versions not stated): gnomAD exomes 0.00002 and 0.00005; gnomAD 0.00001; ExAC 0.00002.
gnomAD v4.1: 26 of 1,612,516 alleles (0.0016%); highest among the groups gnomAD compares: South Asian, 0.025%; no homozygotes.

Submission:

Labcorp Genetics (formerly Invitae), Labcorp
Classification: Uncertain significance for Emery-Dreifuss muscular dystrophy 4, autosomal dominant; Autosomal recessive ataxia, Beauce type. Last evaluated: 2020-11-19. Review status: criteria provided, single submitter. Criteria: Invitae Variant Classification Sherloc (09022015). Collection method: clinical testing. Allele origin: germline.
Comment: This variant is present in population databases (rs764771842, ExAC 0.01%). This sequence change replaces methionine with valine at codon 105 of the SYNE1 protein (p.Met105Val). The methionine residue is weakly conserved and there is a small physicochemical difference between methionine and valine. This variant has not been reported in the literature in individuals with SYNE1-related conditions. In summary, the available evidence is currently insufficient to determine the role of this variant in disease. Therefore, it has been classified as a Variant of Uncertain Significance. Algorithms developed to predict the effect of missense changes on protein structure and function are either unavailable or do not agree on the potential impact of this missense change (SIFT: "Deleterious"; PolyPhen-2: "Benign"; Align-GVGD: "Class C0").